The following is an entry in ClinVar:

ClinVar aggregate classification (germline): Likely benign (1 of 4 stars; one submission).

Allele frequency attached by ClinVar (database versions not stated): ExAC 0.00002; gnomAD 0.00003; TOPMed 0.00003; gnomAD exomes 0.00008.
gnomAD v4.1: 113 of 1,613,986 alleles (0.007%); highest among the groups gnomAD compares: Non-Finnish European, 0.0094%; no homozygotes.

Submission:

CeGaT Center for Human Genetics Tuebingen
Classification: Likely benign. Last evaluated: 2022-12-01. Review status: criteria provided, single submitter. Criteria: CeGaT Center For Human Genetics Tuebingen Variant Classification Criteria Version 2. Collection method: clinical testing. Allele origin: germline. Affected: yes. Observed: 1 variant allele.
Comment: TIE1: BP4, BP7

NM_005424.5(TIE1):c.663G>T (p.Gly221=)

Gene: TIE1 (tyrosine kinase with immunoglobulin like and EGF like domains 1; plus strand). Cytogenetic location: 1p34.2.
Variant type: single nucleotide variant.
Coding change: c.663G>T on transcript NM_005424.5 (MANE Select); coding-DNA position 663, G replaced by T.
Protein change: p.Gly221=; no amino-acid change (glycine 221 retained).
Molecular consequence: synonymous variant.
Genome position (GRCh38, 1-based): chr1:43,307,164, G>T. VCF-style: chr1-43307164-G-T. GRCh37 (hg19) VCF-style: chr1-43772835-G-T.
Other names: c.528G>T, p.Gly176= (NM_001253357.2).
Identifiers: ClinVar variation 2638743 (VCV002638743.24), dbSNP rs758340860, ClinGen allele CA805577.